The following is an entry in ClinVar:

NM_005276.4(GPD1):c.36dup (p.Asn13fs)

Gene: GPD1 (glycerol-3-phosphate dehydrogenase 1; plus strand). Cytogenetic location: 12q13.12.
Variant type: Duplication.
Coding change: c.36dup on transcript NM_005276.4 (MANE Select); coding-DNA position 36, one base duplicated (G; older notation c.36dupG).
Protein change: p.Asn13fs; shifts the reading frame from asparagine 13.
Molecular consequence: frameshift variant.
Genome position (GRCh38, 1-based): chr12:50,104,086, G duplicated; the last of 3 consecutive G bases (chr12:50,104,084-50,104,086); duplicating any one gives the same sequence. VCF-style (leftmost placement, unchanged base first): chr12-50104083-C-CG. GRCh37 (hg19) VCF-style: chr12-50497866-C-CG.
Other names: c.36dup, p.Asn13fs (NM_001257199.2); short protein forms N13fs.
Identifiers: ClinVar variation 5005123 (VCV005005123.2).

ClinVar aggregate classification (germline): Likely pathogenic (1 of 4 stars; one submission).

Conditions:
Transient infantile hypertriglyceridemia and hepatosteatosis. Identifiers: Orphanet 300293, MedGen C3280953, MONDO:0013771, OMIM 614480.

Submission:

Juno Genomics, Hangzhou Juno Genomics, Inc
Classification: Likely pathogenic for Transient infantile hypertriglyceridemia and hepatosteatosis. Review status: criteria provided, single submitter. Criteria: ACMG Guidelines, 2015. Collection method: clinical testing. Allele origin: germline.
Comment: Null variant in a gene where loss of function (LOF) is a known mechanism of disease.;Absent from controls (or at extremely low frequency if recessive) in Genome Aggregation Database.